The following is an entry in ClinVar:

NM_153026.3(PRICKLE1):c.154T>G (p.Leu52Val)

Gene: PRICKLE1 (prickle planar cell polarity protein 1; minus strand). Cytogenetic location: 12q12.
Variant type: single nucleotide variant.
Coding change: c.154T>G on transcript NM_153026.3 (MANE Select); coding-DNA position 154, T replaced by G.
Protein change: p.Leu52Val; replaces leucine 52 with valine.
Molecular consequence: missense variant.
Genome position (GRCh38, 1-based): chr12:42,470,338, A>C on the plus strand (T>G on the coding strand, the complement: PRICKLE1 is on the minus strand). VCF-style: chr12-42470338-A-C. GRCh37 (hg19) VCF-style: chr12-42864140-A-C.
Other names: c.154T>G, p.Leu52Val (NM_001144881.2, NM_001144882.2, NM_001144883.2); short protein forms L52V.
Identifiers: ClinVar variation 2117331 (VCV002117331.4), dbSNP rs2503468849, ClinGen allele CA384444630.
Genomic context (GRCh38, chr12:42,470,338, plus strand): 5'-GCTGTTTAATCCGATGCTTCTCTCCGGGGCTGTTAACGTAAGGAACTTTTTCCTCTGGTA[A>C]GCAAGCAAAATAGAGCTGGATCTGCAAAAGAGACAGTGAGAATGGCATCAACATACAGAA-3'
Protein context (NP_694571.2, residues 42-62): PEQIQLYFAC[Leu52Val]PEEKVPYVNS

ClinVar aggregate classification (germline): Uncertain significance (1 of 4 stars; one submission).

Conditions:
Epilepsy, progressive myoclonic, 1B. Also called: PME. Identifiers: Orphanet 308, MedGen C2676254, MONDO:0012904, OMIM 612437.

Submission:

Labcorp Genetics (formerly Invitae), Labcorp
Classification: Uncertain significance for Epilepsy, progressive myoclonic, 1B. Last evaluated: 2022-09-12. Review status: criteria provided, single submitter. Criteria: Invitae Variant Classification Sherloc (09022015). Collection method: clinical testing. Allele origin: germline.
Comment: This sequence change replaces leucine, which is neutral and non-polar, with valine, which is neutral and non-polar, at codon 52 of the PRICKLE1 protein (p.Leu52Val). This variant is not present in population databases (gnomAD no frequency). This variant has not been reported in the literature in individuals affected with PRICKLE1-related conditions. In summary, the available evidence is currently insufficient to determine the role of this variant in disease. Therefore, it has been classified as a Variant of Uncertain Significance. Algorithms developed to predict the effect of missense changes on protein structure and function (SIFT, PolyPhen-2, Align-GVGD) all suggest that this variant is likely to be disruptive.